The following is an entry in ClinVar:

ClinVar aggregate classification (germline): Pathogenic/Likely pathogenic. Review status: criteria provided, multiple submitters, no conflicts (2 of 4 stars). 2 submissions from 2 submitters: Pathogenic (1); Likely pathogenic (1). Last evaluated 2023-03-27.

Conditions:
Renal cysts and diabetes syndrome (RCAD). Also called: Familial hypoplastic, glomerulocystic kidney; MATURITY-ONSET DIABETES OF THE YOUNG, TYPE 5. Identifiers: Orphanet 93111, MedGen C0431693, MONDO:0007669, OMIM 137920.
HNF1B-related disorder. Also called: HNF1B-related condition; HNF1B-related disorders.

Submissions (2):

PreventionGenetics, part of Exact Sciences
Classification: Pathogenic for HNF1B-related condition. Last evaluated: 2023-03-27. Review status: criteria provided, single submitter. Criteria: ACMG Guidelines, 2015. Collection method: clinical testing. Allele origin: germline.
Comment: The HNF1B c.826C>G variant is predicted to result in the amino acid substitution p.Arg276Gly. This variant has been reported in individuals affected with HNF1B-related disorders, and functional studies support its pathogenicity (Bellanne-Chantelot et al. 2005. PubMed ID: 16249435; Ferrè et al. 2013. PubMed ID: 24204001). An alternate missense variant at the same amino acid position has also been reported as a causative change, including as a de novo finding (Pinon et al. 2019. PubMed ID: 30791938; Edghill et al. 2006. PubMed ID: 15930087). This variant has not been reported in a large population database, indicating this variant is rare. This variant is interpreted as pathogenic.

Institute of Human Genetics, FAU Erlangen, Friedrich-Alexander-Universität Erlangen-Nürnberg
Classification: Likely pathogenic for Renal cysts and diabetes syndrome. Last evaluated: 2019-07-06. Review status: criteria provided, single submitter. Criteria: ACMG Guidelines, 2015. Collection method: literature only. Allele origin: germline. Affected: yes.
Comment: This variant and it's classification has been reported by Vasileiou et al. 2019; DOI:10.1101/576918. The variants has previously been reported in PMID:25700310; PMID:16249435; PMID:25536396 as "c.826C>G; c.826C>G" with clinical significance Pathogenic. It has been re-classified using InterVar and manual curation as Likely pathogenic based on PM1 PM2 PM5 PP3 PP5.

Literature cited by the submitters: PubMed 25700310 (cited by Institute of Human Genetics, FAU Erlangen, Friedrich-Alexander-Universität Erlangen-Nürnberg); PubMed 16249435 (cited by Institute of Human Genetics, FAU Erlangen, Friedrich-Alexander-Universität Erlangen-Nürnberg); PubMed 25536396 (cited by Institute of Human Genetics, FAU Erlangen, Friedrich-Alexander-Universität Erlangen-Nürnberg); DOI 10.1101/576918 (cited by Institute of Human Genetics, FAU Erlangen, Friedrich-Alexander-Universität Erlangen-Nürnberg).

NM_000458.4(HNF1B):c.826C>G (p.Arg276Gly)

Gene: HNF1B (HNF1 homeobox B; minus strand). Cytogenetic location: 17q12.
Variant type: single nucleotide variant.
Coding change: c.826C>G on transcript NM_000458.4 (MANE Select); coding-DNA position 826, C replaced by G.
Protein change: p.Arg276Gly; replaces arginine 276 with glycine.
Molecular consequence: missense variant.
Genome position (GRCh38, 1-based): chr17:37,731,814, G>C on the plus strand (C>G on the coding strand, the complement: HNF1B is on the minus strand). VCF-style: chr17-37731814-G-C. GRCh37 (hg19) VCF-style: chr17-36091805-G-C.
Other names: c.748C>G, p.Arg250Gly (NM_001165923.4, NM_001304286.2); short protein forms R276G, R250G.
Identifiers: ClinVar variation 635640 (VCV000635640.2), dbSNP rs121918672, ClinGen allele CA398747072.
Genomic context (GRCh38, chr17:37,731,814, plus strand): 5'-CACGGACCTCAGTGACCAAGTTGGAGCCCAGGCCGTGGGCTTTGGAGGGGGACACCCCTC[G>C]CTGCAAACATTCTGCCCTGGGAATGGATGGAGGGGAGATGGTGAGTGAGGGGGGGCGGGG-3'
Protein context (NP_000449.1, residues 266-286): EECNRAECLQ[Arg276Gly]GVSPSKAHGL